The following is an entry in ClinVar:

ClinVar aggregate classification (germline): Uncertain significance (1 of 4 stars; one submission).

Conditions:
CHEK1-related disorder. Also called: CHEK1-related condition.

gnomAD v4.1: 1 of 1,613,978 alleles (0.000062%); highest among the groups gnomAD compares: South Asian, 0.0011%; no homozygotes.

Submission:

PreventionGenetics, part of Exact Sciences
Classification: Uncertain significance for CHEK1-related condition. Last evaluated: 2025-01-30. Review status: criteria provided, single submitter. Criteria: ACMG Guidelines, 2015. Collection method: clinical testing. Allele origin: germline.
Comment: The CHEK1 c.1107G>A variant is predicted to result in the amino acid substitution p.Met369Ile. On alternate transcripts of this gene, this variant is known as c.1059G>A (p.Met353Ile). To our knowledge, this variant has not been reported in the literature or in a large population database (gnomAD), indicating this variant is rare. At this time, the clinical significance of this variant is uncertain due to the absence of conclusive functional and genetic evidence.

NM_001114122.3(CHEK1):c.1059G>A (p.Met353Ile)

Gene: CHEK1 (checkpoint kinase 1; plus strand). Cytogenetic location: 11q24.2.
Variant type: single nucleotide variant.
Coding change: c.1059G>A on transcript NM_001114122.3 (MANE Select); coding-DNA position 1059, G replaced by A.
Protein change: p.Met353Ile; replaces methionine 353 with isoleucine.
Molecular consequence: missense variant. On other transcripts: non-coding transcript variant (2).
Genome position (GRCh38, 1-based): chr11:125,644,226, G>A. VCF-style: chr11-125644226-G-A. GRCh37 (hg19) VCF-style: chr11-125514121-G-A.
Other names: c.1059G>A, p.Met353Ile (NM_001114121.2, NM_001244846.1, NM_001274.5); c.756G>A, p.Met252Ile (NM_001330427.2); c.777G>A, p.Met259Ile (NM_001330428.1); short protein forms M259I, M252I, M353I.
Identifiers: ClinVar variation 5000449 (VCV005000449.1).
Genomic context (GRCh38, chr11:125,644,226, plus strand): 5'-ATACATTGATAAATTGGTACAAGGGATCAGCTTTTCCCAGCCCACATGTCCTGATCATAT[G>A]CTTTTGAATAGTCAGTTACTTGGCACCCCAGGATCCTCACAGGTGAGGGAATTTAATTTT-3'
Protein context (NP_001107594.1, residues 343-363): SFSQPTCPDH[Met353Ile]LLNSQLLGTP